The following is an entry in ClinVar:

NM_001041.4(SI):c.3232C>T (p.Arg1078Trp)

Gene: SI (sucrase-isomaltase; minus strand). Cytogenetic location: 3q26.1.
Variant type: single nucleotide variant.
Coding change: c.3232C>T on transcript NM_001041.4 (MANE Select); coding-DNA position 3232, C replaced by T.
Protein change: p.Arg1078Trp; replaces arginine 1078 with tryptophan.
Molecular consequence: missense variant.
Genome position (GRCh38, 1-based): chr3:165,021,251, G>A on the plus strand (C>T on the coding strand, the complement: SI is on the minus strand). VCF-style: chr3-165021251-G-A. GRCh37 (hg19) VCF-style: chr3-164739039-G-A.
Other names: c.3232C>T (NM_001041.3); short protein forms R1078W.
Identifiers: ClinVar variation 1910715 (VCV001910715.3), dbSNP rs769259229, ClinGen allele CA2690347.

ClinVar aggregate classification (germline): Uncertain significance. Review status: criteria provided, multiple submitters, no conflicts (2 of 4 stars). 2 submissions from 2 submitters: Uncertain significance (2). Last evaluated 2023-09-20.

Conditions:
Inborn genetic diseases. Identifiers: MedGen C0950123, MeSH D030342.

gnomAD v4.1: 44 of 1,610,518 alleles (0.0027%); highest among the groups gnomAD compares: Admixed American, 0.0033%; no homozygotes.

Submissions (2):

Ambry Genetics
Classification: Uncertain significance for Inborn genetic diseases. Last evaluated: 2023-09-20. Review status: criteria provided, single submitter. Criteria: Ambry Variant Classification Scheme 2023. Collection method: clinical testing. Allele origin: germline.

Labcorp Genetics (formerly Invitae), Labcorp
Classification: Uncertain significance. Last evaluated: 2021-12-21. Review status: criteria provided, single submitter. Criteria: Invitae Variant Classification Sherloc (09022015). Collection method: clinical testing. Allele origin: germline.
Comment: This sequence change replaces arginine, which is basic and polar, with tryptophan, which is neutral and slightly polar, at codon 1078 of the SI protein (p.Arg1078Trp). This variant is present in population databases (rs769259229, gnomAD 0.004%). This variant has not been reported in the literature in individuals affected with SI-related conditions. Advanced modeling of protein sequence and biophysical properties (such as structural, functional, and spatial information, amino acid conservation, physicochemical variation, residue mobility, and thermodynamic stability) performed at Invitae indicates that this missense variant is expected to disrupt SI protein function. In summary, the available evidence is currently insufficient to determine the role of this variant in disease. Therefore, it has been classified as a Variant of Uncertain Significance.